The following is an entry in ClinVar:

ClinVar aggregate classification (germline): Uncertain significance (1 of 4 stars; one submission).

Conditions:
Hereditary cancer-predisposing syndrome. Also called: Neoplastic Syndromes, Hereditary; Tumor predisposition; Hereditary Cancer Syndrome; Hereditary neoplastic syndrome. Identifiers: Orphanet 140162, MedGen C0027672, MeSH D009386, MONDO:0015356.

Submission:

Ambry Genetics
Classification: Uncertain significance for Hereditary cancer-predisposing syndrome. Last evaluated: 2025-09-28. Review status: criteria provided, single submitter. Criteria: Ambry Variant Classification Scheme 2023. Collection method: clinical testing. Allele origin: germline.
Comment: The p.A1337S variant (also known as c.4009G>T), located in coding exon 23 of the PTCH1 gene, results from a G to T substitution at nucleotide position 4009. The alanine at codon 1337 is replaced by serine, an amino acid with similar properties. This amino acid position is conserved. In addition, this alteration is predicted to be tolerated by in silico analysis. Based on the available evidence, the clinical significance of this variant remains unclear.

NM_000264.5(PTCH1):c.4009G>T (p.Ala1337Ser)

Gene: PTCH1 (patched 1; minus strand). Cytogenetic location: 9q22.32.
Variant type: single nucleotide variant.
Coding change: c.4009G>T on transcript NM_000264.5 (MANE Select); coding-DNA position 4009, G replaced by T.
Protein change: p.Ala1337Ser; replaces alanine 1337 with serine.
Molecular consequence: missense variant. On other transcripts: non-coding transcript variant (1).
Genome position (GRCh38, 1-based): chr9:95,447,247, C>A on the plus strand (G>T on the coding strand, the complement: PTCH1 is on the minus strand). VCF-style: chr9-95447247-C-A. GRCh37 (hg19) VCF-style: chr9-98209529-C-A.
Other names: c.3811G>T, p.Ala1271Ser (NM_001083602.3); c.4006G>T, p.Ala1336Ser (NM_001083603.3); c.3556G>T, p.Ala1186Ser (NM_001083604.3, NM_001083605.3, NM_001083606.3 and 1 more transcripts); c.3853G>T, p.Ala1285Ser (NM_001354918.2); short protein forms A1337S, A1271S, A1285S, A1186S, A1336S.
Identifiers: ClinVar variation 4675129 (VCV004675129.1).
Genomic context (GRCh38, chr9:95,447,247, plus strand): 5'-TGGCAGTGGACGCTGGGTTCCGAGGGTTGTGAGAACGGGCCCCGCGAGGGCCCCAGCGGG[C>A]CCTATTGCTAGGGCCAGAATGCCCTTCAGTAGAAATTTCAAAAGCGTCTCTGCGCGGTCT-3'
Protein context (NP_000255.2, residues 1327-1347): TEGHSGPSNR[Ala1337Ser]RWGPRGARSH